The following is an entry in ClinVar:

NM_014989.7(RIMS1):c.3554+4G>A

Gene: RIMS1 (regulating synaptic membrane exocytosis 1; plus strand). Cytogenetic location: 6q13.
Variant type: single nucleotide variant.
Coding change: c.3554+4G>A on transcript NM_014989.7 (MANE Select); 4 bases into the intron after coding-DNA position 3554, G replaced by A.
Molecular consequence: intron variant.
Genome position (GRCh38, 1-based): chr6:72,284,122, G>A. VCF-style: chr6-72284122-G-A. GRCh37 (hg19) VCF-style: chr6-72993825-G-A.
Other names: c.1631+4G>A (NM_001350428.2); c.1560-7812G>A (NM_001350459.2, NM_001350424.2); c.1641-7812G>A (NM_001350437.2); c.1628+4G>A (NM_001350430.2); c.1557-7812G>A (NM_001350421.2, NM_001350450.2); c.1707-7812G>A (NM_001350458.2); c.1784+4G>A (NM_001350433.2); c.1700+4G>A (NM_001350446.2, NM_001350442.2, NM_001350416.2 and 2 more transcripts); and 30 more.
Identifiers: ClinVar variation 1027346 (VCV001027346.6), dbSNP rs981668271, ClinGen allele CA140894836.
Genomic context (GRCh38, chr6:72,284,122, plus strand): 5'-TGAAAGATCTAGCATCCAAAAACAGACTAGGAAAGGCACTGCCTCTGATGCAGAAAGGTA[G>A]GCTTGGTGTTGTGGTGTGCTGACATCTTCCATTTTAGGAATATATTTAGGGGTGCTGTCA-3'

ClinVar aggregate classification (germline): Uncertain significance (1 of 4 stars; one submission).

Allele frequency attached by ClinVar (database versions not stated): gnomAD exomes below 0.00001; gnomAD 0.00001; TOPMed 0.00002.
gnomAD v4.1: 4 of 1,612,180 alleles (0.00025%); highest among the groups gnomAD compares: African/African-American, 0.004%; no homozygotes.

Submission:

Labcorp Genetics (formerly Invitae), Labcorp
Classification: Uncertain significance. Last evaluated: 2023-07-10. Review status: criteria provided, single submitter. Criteria: Invitae Variant Classification Sherloc (09022015). Collection method: clinical testing. Allele origin: germline.
Comment: In summary, the available evidence is currently insufficient to determine the role of this variant in disease. Therefore, it has been classified as a Variant of Uncertain Significance. Variants that disrupt the consensus splice site are a relatively common cause of aberrant splicing (PMID: 17576681, 9536098). Algorithms developed to predict the effect of sequence changes on RNA splicing suggest that this variant is not likely to affect RNA splicing. ClinVar contains an entry for this variant (Variation ID: 1027346). This variant has not been reported in the literature in individuals affected with RIMS1-related conditions. This variant is present in population databases (no rsID available, gnomAD 0.02%). This sequence change falls in intron 24 of the RIMS1 gene. It does not directly change the encoded amino acid sequence of the RIMS1 protein. It affects a nucleotide within the consensus splice site.

Literature cited by the submitters: PubMed 17576681; PubMed 9536098.